The following is an entry in ClinVar:

ClinVar aggregate classification (germline): Likely benign. Review status: criteria provided, multiple submitters, no conflicts (2 of 4 stars). 3 submissions from 3 submitters: Likely benign (3). Last evaluated 2026-09-04.

Conditions:
TTN-related disorder. Also called: TTN-related disorders; TTN-related condition; TTN-related disease.

Allele frequency attached by ClinVar (database versions not stated): gnomAD exomes below 0.00001; TOPMed 0.00001.
gnomAD v4.1: 8 of 1,613,152 alleles (0.0005%); highest among the groups gnomAD compares: Admixed American, 0.0067%; no homozygotes.

Submissions (3):

PreventionGenetics, part of Exact Sciences
Classification: Likely benign for TTN-related condition. Last evaluated: 2026-09-04. Review status: criteria provided, single submitter. Criteria: ACMG Guidelines, 2015. Collection method: clinical testing. Allele origin: germline.
Comment: This variant is classified as likely benign based on ACMG/AMP sequence variant interpretation guidelines (Richards et al. 2015 PMID: 25741868, with internal and published modifications).

Blueprint Genetics
Classification: Likely benign. Last evaluated: 2024-11-19. Review status: criteria provided, single submitter. Criteria: ACMG Guidelines, 2015. Collection method: clinical testing. Allele origin: germline.

Laboratory for Molecular Medicine, Mass General Brigham Personalized Medicine
Classification: Likely benign. Last evaluated: 2015-11-11. Review status: criteria provided, single submitter. Criteria: LMM Criteria. Collection method: clinical testing. Allele origin: germline. Observed: 1 variant allele.
Comment: p.Gly5528Gly in exon 45A of TTN: This variant is not expected to have clinical s ignificance because it does not alter an amino acid residue and is not located w ithin the splice consensus sequence.

NM_133379.5(TTN):c.16584T>C (p.Gly5528=)

Gene: TTN (titin; minus strand). Cytogenetic location: 2q31.2.
Variant type: single nucleotide variant.
Coding change: c.16584T>C on transcript NM_133379.5; coding-DNA position 16584, T replaced by C.
Protein change: p.Gly5528=; no amino-acid change (glycine 5528 retained).
Molecular consequence: synonymous variant. On other transcripts: intron variant (6).
Genome position (GRCh38, 1-based): chr2:178,745,816, A>G on the plus strand (T>C on the coding strand, the complement: TTN is on the minus strand). VCF-style: chr2-178745816-A-G. GRCh37 (hg19) VCF-style: chr2-179610543-A-G.
Other names: c.10223-3895T>C (NM_003319.4); c.10799-3895T>C (NM_133437.4); c.10598-3895T>C (NM_133432.3); c.10360+7308T>C (NM_133378.4); c.10361-3895T>C (NM_001256850.1); c.11312-3895T>C (NM_001267550.2); c.16584T>C (NM_133379.4).
Identifiers: ClinVar variation 228187 (VCV000228187.7), dbSNP rs876657622, ClinGen allele CA10576561.